The following is an entry in ClinVar:

NM_001042492.3(NF1):c.723_730+4del

Gene: NF1 (neurofibromin 1; plus strand). Cytogenetic location: 17q11.2.
Variant type: Deletion.
Coding change: c.723_730+4del on transcript NM_001042492.3 (MANE Select); coding-DNA position 723 through 4 bases into the intron after coding-DNA position 730, 12 bases deleted (TATGGCTGGTAA).
Molecular consequence: splice donor variant.
Genome position (GRCh38, 1-based): chr17:31,181,778-31,181,789, TATGGCTGGTAA deleted; deleting any 12 consecutive bases within chr17:31,181,777-31,181,789 gives the same sequence; the c. name uses the placement nearest the transcript's 3' end. VCF-style (leftmost placement, unchanged base first): chr17-31181776-GATATGGCTGGTA-G. GRCh37 (hg19) VCF-style: chr17-29508794-GATATGGCTGGTA-G.
Other names: c.723_730+4del (NM_000267.4, NM_001128147.3).
Identifiers: ClinVar variation 2807948 (VCV002807948.3), dbSNP rs2544750159, ClinGen allele CA2739267281.
Genomic context (GRCh38, chr17:31,181,776, plus strand): 5'-TGGAACTGGGTAGAAAATTATCCAGATGAATTTACAAAACTGTACCAGATCCCACAGACT[GATATGGCTGGTA>G]AGGATACGATTGATTTTTTTTTTTTTTTTGTCTTTTAAATGCCTACTTGTGACATAAAAA-3'

ClinVar aggregate classification (germline): Likely pathogenic (1 of 4 stars; one submission).

Conditions:
Neurofibromatosis, type 1 (NF1). Also called: NEUROFIBROMATOSIS, TYPE I, SOMATIC; Peripheral type neurofibromatosis; VON RECKLINGHAUSEN DISEASE; Neurofibromatosis, type I. Identifiers: Orphanet 636, MedGen C0027831, MONDO:0018975, OMIM 162200. Disease mechanism: loss of function.

Submission:

Labcorp Genetics (formerly Invitae), Labcorp
Classification: Likely pathogenic for Neurofibromatosis, type 1. Last evaluated: 2022-10-08. Review status: criteria provided, single submitter. Criteria: Invitae Variant Classification Sherloc (09022015). Collection method: clinical testing. Allele origin: germline.
Comment: In summary, the currently available evidence indicates that the variant is pathogenic, but additional data are needed to prove that conclusively. Therefore, this variant has been classified as Likely Pathogenic. Algorithms developed to predict the effect of sequence changes on RNA splicing suggest that this variant may disrupt the consensus splice site. This variant has not been reported in the literature in individuals affected with NF1-related conditions. This variant is not present in population databases (gnomAD no frequency). This variant results in the deletion of part of exon 7 (c.723_730+4del) of the NF1 gene. It is expected to disrupt RNA splicing. Variants that disrupt the donor or acceptor splice site typically lead to a loss of protein function (PMID: 16199547), and loss-of-function variants in NF1 are known to be pathogenic (PMID: 10712197, 23913538).

Literature cited by the submitters: PubMed 16199547; PubMed 10712197; PubMed 23913538.